The following is an entry in ClinVar:

ClinVar aggregate classification (germline): Benign/Likely benign. Review status: criteria provided, multiple submitters, no conflicts (2 of 4 stars). 7 submissions from 7 submitters: Benign (2); Likely benign (3). 2 of the submissions do not count toward it. Last evaluated 2026-08-01.

Conditions:
Familial acute necrotizing encephalopathy (IIAE3). Also called: Susceptibility to Acute Necrotizing Encephalopathy 1; ENCEPHALOPATHY, ACUTE, INFECTION-INDUCED, SUSCEPTIBILITY TO, 3. Identifiers: Orphanet 88619, MedGen C2675556, MONDO:0011953, OMIM 608033.

Allele frequency attached by ClinVar (database versions not stated): 1000 Genomes Project 0.00220; gnomAD exomes 0.00449; gnomAD 0.00516 and 0.00423; TOPMed 0.00605; 1000 Genomes Project 30x 0.00250; ExAC 0.00426.
gnomAD v4.1: 9,599 of 1,570,198 alleles (0.61%); highest among the groups gnomAD compares: Non-Finnish European, 0.73%; 52 homozygotes.

Submissions (18):

CeGaT Center for Human Genetics Tuebingen
Classification: Benign. Last evaluated: 2026-08-01. Review status: criteria provided, single submitter. Criteria: CeGaT Center For Human Genetics Tuebingen Variant Classification Criteria Version 2. Collection method: clinical testing. Allele origin: germline. Affected: yes. Observed: 6 variant alleles.
Comment: RANBP2: BP4, BS1, BS2

Labcorp Genetics (formerly Invitae), Labcorp
Classification: Benign for Familial acute necrotizing encephalopathy. Last evaluated: 2025-02-19. Review status: criteria provided, single submitter. Criteria: Invitae Variant Classification Sherloc (09022015). Collection method: clinical testing. Allele origin: germline.

GeneDx
Classification: Likely benign. Last evaluated: 2018-01-17. Review status: criteria provided, single submitter. Criteria: GeneDx Variant Classification (06012015). Collection method: clinical testing. Allele origin: germline. Affected: yes.
Comment: This variant is considered likely benign or benign based on one or more of the following criteria: it is a conservative change, it occurs at a poorly conserved position in the protein, it is predicted to be benign by multiple in silico algorithms, and/or has population frequency not consistent with disease.

Center for Pediatric Genomic Medicine, Children's Mercy Hospital and Clinics
Classification: Likely benign. Last evaluated: 2017-07-31. Review status: criteria provided, single submitter. Criteria: ACMG Guidelines, 2015. Collection method: clinical testing. Allele origin: germline.

Breakthrough Genomics
Classification: Likely benign. Review status: criteria provided, single submitter. Criteria: ACMG Guidelines, 2015. Collection method: not provided. Allele origin: germline. Inheritance: Autosomal dominant inheritance. Affected: yes.

Clinical Genetics DNA and cytogenetics Diagnostics Lab, Erasmus MC, Erasmus Medical Center
Classification: Likely benign. Review status: no assertion criteria provided. Collection method: clinical testing. Allele origin: germline. Affected: yes. Study: VKGL Data-share Consensus. Not counted in ClinVar's aggregate classification.

Dr. Peter K. Rogan Lab, Western University
No classification provided (evidence only). Condition: Lung cancer. Review status: no classification provided. Collection method: in vitro. Allele origin: not applicable. Functional consequence: retained intron. Not counted in ClinVar's aggregate classification.

Dr. Peter K. Rogan Lab, Western University
No classification provided (evidence only). Condition: Lung cancer. Review status: no classification provided. Collection method: in vitro. Allele origin: not applicable. Functional consequence: retained intron. Not counted in ClinVar's aggregate classification.

Dr. Peter K. Rogan Lab, Western University
No classification provided (evidence only). Condition: Familial cancer of breast. Review status: no classification provided. Collection method: in vitro. Allele origin: not applicable. Functional consequence: retained intron. Not counted in ClinVar's aggregate classification.

Dr. Peter K. Rogan Lab, Western University
No classification provided (evidence only). Condition: Familial cancer of breast. Review status: no classification provided. Collection method: in vitro. Allele origin: not applicable. Functional consequence: retained intron. Not counted in ClinVar's aggregate classification.

Dr. Peter K. Rogan Lab, Western University
No classification provided (evidence only). Condition: Acute myeloid leukemia. Review status: no classification provided. Collection method: in vitro. Allele origin: not applicable. Functional consequence: retained intron. Not counted in ClinVar's aggregate classification.

Dr. Peter K. Rogan Lab, Western University
No classification provided (evidence only). Condition: Acute myeloid leukemia. Review status: no classification provided. Collection method: in vitro. Allele origin: not applicable. Functional consequence: retained intron. Not counted in ClinVar's aggregate classification.

Dr. Peter K. Rogan Lab, Western University
No classification provided (evidence only). Condition: Uterine corpus endometrial carcinoma. Review status: no classification provided. Collection method: in vitro. Allele origin: not applicable. Functional consequence: retained intron. Not counted in ClinVar's aggregate classification.

Dr. Peter K. Rogan Lab, Western University
No classification provided (evidence only). Condition: Thymoma. Review status: no classification provided. Collection method: in vitro. Allele origin: not applicable. Functional consequence: retained intron. Not counted in ClinVar's aggregate classification.

Dr. Peter K. Rogan Lab, Western University
No classification provided (evidence only). Condition: Ovarian serous cystadenocarcinoma. Review status: no classification provided. Collection method: in vitro. Allele origin: not applicable. Functional consequence: retained intron. Not counted in ClinVar's aggregate classification.

Dr. Peter K. Rogan Lab, Western University
No classification provided (evidence only). Condition: Ovarian serous cystadenocarcinoma. Review status: no classification provided. Collection method: in vitro. Allele origin: not applicable. Functional consequence: retained intron. Not counted in ClinVar's aggregate classification.

Dr. Peter K. Rogan Lab, Western University
No classification provided (evidence only). Condition: Malignant tumor of esophagus. Review status: no classification provided. Collection method: in vitro. Allele origin: not applicable. Functional consequence: retained intron. Not counted in ClinVar's aggregate classification.

Genome Diagnostics Laboratory, University Medical Center Utrecht
Classification: Likely benign. Review status: no assertion criteria provided. Collection method: clinical testing. Allele origin: germline. Affected: yes. Study: VKGL Data-share Consensus. Not counted in ClinVar's aggregate classification.

NM_006267.5(RANBP2):c.73-6T>A

Gene: RANBP2 (RAN binding protein 2; plus strand). Cytogenetic location: 2q13.
Variant type: single nucleotide variant.
Coding change: c.73-6T>A on transcript NM_006267.5 (MANE Select); 6 bases into the intron before coding-DNA position 73, T replaced by A.
Molecular consequence: intron variant.
Genome position (GRCh38, 1-based): chr2:108,729,126, T>A. VCF-style: chr2-108729126-T-A. GRCh37 (hg19) VCF-style: chr2-109345582-T-A.
Identifiers: ClinVar variation 446012 (VCV000446012.40), dbSNP rs201485597, ClinGen allele CA1821904.